The following is an entry in ClinVar:

NM_001082486.2(ACD):c.459-27T>C

Gene: ACD (ACD shelterin complex subunit and telomerase recruitment factor; minus strand). Cytogenetic location: 16q22.1.
Variant type: single nucleotide variant.
Coding change: c.459-27T>C on transcript NM_001082486.2 (MANE Select); 27 bases into the intron before coding-DNA position 459, T replaced by C.
Molecular consequence: intron variant.
Genome position (GRCh38, 1-based): chr16:67,659,290, A>G on the plus strand (T>C on the coding strand, the complement: ACD is on the minus strand). VCF-style: chr16-67659290-A-G. GRCh37 (hg19) VCF-style: chr16-67693193-A-G.
Other names: c.450-27T>C (NM_022914.3).
Identifiers: ClinVar variation 1697771 (VCV001697771.14), dbSNP rs187847017, ClinGen allele CA8114672.
Genomic context (GRCh38, chr16:67,659,290, plus strand): 5'-TGCATTGGACGAGGTGGACTCTGAAAGGTGCTCCCTACAGGAAGAGAGTGGCCAGGACTC[A>G]GGAACCATGCTGAGGCCTGTCTACCTAGATACACCATCCCCTCACCAAACAACACGTGGC-3'

ClinVar aggregate classification (germline): Likely benign. Review status: criteria provided, multiple submitters, no conflicts (2 of 4 stars). 2 submissions from 2 submitters: Likely benign (2). Last evaluated 2025-03-04.

Allele frequency attached by ClinVar (database versions not stated): 1000 Genomes Project 0.00100; 1000 Genomes Project 30x 0.00125; ExAC 0.00139; gnomAD exomes 0.00151; gnomAD 0.00161 and 0.00164; ESP Exome Variant Server 0.00169.

Submissions (2):

Center for Genomic Medicine, Rigshospitalet, Copenhagen University Hospital
Classification: Likely benign. Last evaluated: 2025-03-04. Review status: criteria provided, single submitter. Criteria: ACMG Guidelines, 2015. Collection method: clinical testing. Allele origin: germline.

CeGaT Center for Human Genetics Tuebingen
Classification: Likely benign. Last evaluated: 2025-03-01. Review status: criteria provided, single submitter. Criteria: CeGaT Center For Human Genetics Tuebingen Variant Classification Criteria Version 2. Collection method: clinical testing. Allele origin: germline. Affected: yes. Observed: 1 variant allele.
Comment: ACD: BP4, BS1